The following is an entry in ClinVar:

NM_004525.3(LRP2):c.3479G>A (p.Arg1160Gln)

Gene: LRP2 (LDL receptor related protein 2; minus strand). Cytogenetic location: 2q31.1.
Variant type: single nucleotide variant.
Coding change: c.3479G>A on transcript NM_004525.3 (MANE Select); coding-DNA position 3479, G replaced by A.
Protein change: p.Arg1160Gln; replaces arginine 1160 with glutamine.
Molecular consequence: missense variant.
Genome position (GRCh38, 1-based): chr2:169,243,474, C>T on the plus strand (G>A on the coding strand, the complement: LRP2 is on the minus strand). VCF-style: chr2-169243474-C-T. GRCh37 (hg19) VCF-style: chr2-170099984-C-T.
Other names: short protein forms R1160Q.
Identifiers: ClinVar variation 3606737 (VCV003606737.1).

ClinVar aggregate classification (germline): Uncertain significance (1 of 4 stars; one submission).

gnomAD v4.1: 21 of 1,614,102 alleles (0.0013%); highest among the groups gnomAD compares: Admixed American, 0.0017%; no homozygotes.

Submission:

Labcorp Genetics (formerly Invitae), Labcorp
Classification: Uncertain significance. Last evaluated: 2024-10-23. Review status: criteria provided, single submitter. Criteria: Invitae Variant Classification Sherloc (09022015). Collection method: clinical testing. Allele origin: germline.
Comment: This sequence change replaces arginine, which is basic and polar, with glutamine, which is neutral and polar, at codon 1160 of the LRP2 protein (p.Arg1160Gln). This variant is present in population databases (rs574423999, gnomAD 0.003%). This variant has not been reported in the literature in individuals affected with LRP2-related conditions. Invitae Evidence Modeling of protein sequence and biophysical properties (such as structural, functional, and spatial information, amino acid conservation, physicochemical variation, residue mobility, and thermodynamic stability) indicates that this missense variant is expected to disrupt LRP2 protein function with a positive predictive value of 95%. In summary, the available evidence is currently insufficient to determine the role of this variant in disease. Therefore, it has been classified as a Variant of Uncertain Significance.